The following is an entry in ClinVar:

NM_001127178.3(PIGG):c.1614+4C>G

Gene: PIGG (phosphatidylinositol glycan anchor biosynthesis class G (EMM blood group); plus strand). Cytogenetic location: 4p16.3.
Variant type: single nucleotide variant.
Coding change: c.1614+4C>G on transcript NM_001127178.3 (MANE Select); 4 bases into the intron after coding-DNA position 1614, C replaced by G.
Molecular consequence: intron variant. On other transcripts: missense variant (1), 3 prime UTR variant (2), non-coding transcript variant (1).
Genome position (GRCh38, 1-based): chr4:521,945, C>G. VCF-style: chr4-521945-C-G. GRCh37 (hg19) VCF-style: chr4-515734-C-G.
Other names: c.1351C>G, p.Arg451Gly (NM_001289053.2); c.*180C>G (NM_001289055.2); c.*233C>G (NM_001289057.2); c.516+4C>G (NM_001345994.2); c.1347+4C>G (NM_001345986.2, NM_001289051.2); c.1323+4C>G (NM_001345987.2); c.81+4C>G (NM_001345991.2, NM_001345990.2); c.585+4C>G (NM_001345988.2); and 3 more; short protein forms R451G.
Identifiers: ClinVar variation 476321 (VCV000476321.8), dbSNP rs377462432, ClinGen allele CA2793363.
Genomic context (GRCh38, chr4:521,945, plus strand): 5'-TGTGTGATTGTGTCTGTTCTGACCAACGTGCTCGTGGGTGGAAACACCCCAAGGAAGGTA[C>G]GTACGGCTGGTTCCTGGGAGTGTGACGTAGTCCTTCTGCTCAGGTTGTTCTTGTTATTTC-3'

ClinVar aggregate classification (germline): Uncertain significance (1 of 4 stars; one submission).

Conditions:
Intellectual disability, autosomal recessive 53 (NEDHSCA). Also called: GLYCOSYLPHOSPHATIDYLINOSITOL BIOSYNTHESIS DEFECT 13; Mental retardation, autosomal recessive 53; NEURODEVELOPMENTAL DISORDER WITH OR WITHOUT HYPOTONIA, SEIZURES, AND CEREBELLAR ATROPHY. Identifiers: Orphanet 488635, MedGen C4310794, MONDO:0014832, OMIM 616917.

Allele frequency attached by ClinVar (database versions not stated): TOPMed 0.00015; gnomAD 0.00016; ESP Exome Variant Server 0.00046.
gnomAD v4.1: 286 of 1,613,856 alleles (0.018%); highest among the groups gnomAD compares: Non-Finnish European, 0.022%; no homozygotes.

Submissions (3):

Labcorp Genetics (formerly Invitae), Labcorp
Classification: Uncertain significance for Intellectual disability, autosomal recessive 53. Last evaluated: 2024-12-09. Review status: criteria provided, single submitter. Criteria: Invitae Variant Classification Sherloc (09022015). Collection method: clinical testing. Allele origin: germline.
Comment: This sequence change falls in intron 8 of the PIGG gene. It does not directly change the encoded amino acid sequence of the PIGG protein. It affects a nucleotide within the consensus splice site. This variant is present in population databases (rs377462432, gnomAD 0.02%). This variant has not been reported in the literature in individuals affected with PIGG-related conditions. ClinVar contains an entry for this variant (Variation ID: 476321). Variants that disrupt the consensus splice site are a relatively common cause of aberrant splicing (PMID: 17576681, 9536098). Algorithms developed to predict the effect of sequence changes on RNA splicing suggest that this variant is not likely to affect RNA splicing. In summary, the available evidence is currently insufficient to determine the role of this variant in disease. Therefore, it has been classified as a Variant of Uncertain Significance.

Dr. Peter K. Rogan Lab, Western University
No classification provided (evidence only). Condition: Clear cell carcinoma of kidney. Review status: no classification provided. Collection method: in vitro. Allele origin: not applicable. Functional consequence: retained intron. Not counted in ClinVar's aggregate classification.

Dr. Peter K. Rogan Lab, Western University
No classification provided (evidence only). Condition: Cervical cancer. Review status: no classification provided. Collection method: in vitro. Allele origin: not applicable. Functional consequence: retained intron. Not counted in ClinVar's aggregate classification.

Literature cited by the submitters: PubMed 17576681 (cited by Labcorp Genetics (formerly Invitae), Labcorp); PubMed 9536098 (cited by Labcorp Genetics (formerly Invitae), Labcorp).